The following is an entry in ClinVar:

NM_020297.4(ABCC9):c.1975A>G (p.Thr659Ala)

Gene: ABCC9 (ATP binding cassette subfamily C member 9; minus strand). Cytogenetic location: 12p12.1.
Variant type: single nucleotide variant.
Coding change: c.1975A>G on transcript NM_020297.4 (MANE Select); coding-DNA position 1975, A replaced by G.
Protein change: p.Thr659Ala; replaces threonine 659 with alanine.
Molecular consequence: missense variant.
Genome position (GRCh38, 1-based): chr12:21,882,810, T>C on the plus strand (A>G on the coding strand, the complement: ABCC9 is on the minus strand). VCF-style: chr12-21882810-T-C. GRCh37 (hg19) VCF-style: chr12-22035744-T-C.
Other names: c.1975A>G, p.Thr659Ala (NM_001377273.1, NM_005691.4); c.1111A>G, p.Thr371Ala (NM_001377274.1); short protein forms T659A, T371A.
Identifiers: ClinVar variation 240202 (VCV000240202.11), dbSNP rs878854783, ClinGen allele CA10583040.

ClinVar aggregate classification (germline): Uncertain significance. Review status: criteria provided, multiple submitters, no conflicts (2 of 4 stars). 2 submissions from 2 submitters: Uncertain significance (2). Last evaluated 2024-09-29.

Conditions:
Atrial fibrillation, familial, 12 (ATFB12). Identifiers: MedGen C3279695, MONDO:0013545, OMIM 614050.
Hypertrichotic osteochondrodysplasia Cantu type. Also called: Cantú Syndrome; Cantu Syndrome. Identifiers: Orphanet 1517, MedGen C0795905, MONDO:0009406, OMIM 239850.
Dilated cardiomyopathy 1O (CMD1O). Also called: CARDIOMYOPATHY, DILATED, WITH VENTRICULAR TACHYCARDIA. Identifiers: Orphanet 154, MedGen C1837839, MONDO:0012062, OMIM 608569.
Intellectual disability and myopathy syndrome (IDMYS). Identifiers: MedGen C5676904, MONDO:0859224, OMIM 619719.

Submissions (2):

Labcorp Genetics (formerly Invitae), Labcorp
Classification: Uncertain significance for Dilated cardiomyopathy 1O. Last evaluated: 2024-09-29. Review status: criteria provided, single submitter. Criteria: Invitae Variant Classification Sherloc (09022015). Collection method: clinical testing. Allele origin: germline.
Comment: This sequence change replaces threonine, which is neutral and polar, with alanine, which is neutral and non-polar, at codon 659 of the ABCC9 protein (p.Thr659Ala). This variant is not present in population databases (gnomAD no frequency). This variant has not been reported in the literature in individuals affected with ABCC9-related conditions. ClinVar contains an entry for this variant (Variation ID: 240202). Invitae Evidence Modeling of protein sequence and biophysical properties (such as structural, functional, and spatial information, amino acid conservation, physicochemical variation, residue mobility, and thermodynamic stability) indicates that this missense variant is not expected to disrupt ABCC9 protein function with a negative predictive value of 95%. In summary, the available evidence is currently insufficient to determine the role of this variant in disease. Therefore, it has been classified as a Variant of Uncertain Significance.

Fulgent Genetics
Classification: Uncertain significance for Hypertrichotic osteochondrodysplasia Cantu type; Dilated cardiomyopathy 1O; Atrial fibrillation, familial, 12; Intellectual disability and myopathy syndrome. Last evaluated: 2021-09-08. Review status: criteria provided, single submitter. Criteria: ACMG Guidelines, 2015. Collection method: clinical testing. Allele origin: unknown.